The following is an entry in ClinVar:

ClinVar aggregate classification (germline): Likely benign. Review status: criteria provided, single submitter (1 of 4 stars). 2 submissions from 2 submitters: Likely benign (1). 1 of the submissions does not count toward it. Last evaluated 2023-06-01.

Conditions:
DSCAM-related disorder. Also called: DSCAM-related condition.

Allele frequency attached by ClinVar (database versions not stated): ESP Exome Variant Server 0.00008; TOPMed 0.00025; gnomAD 0.00034; 1000 Genomes Project 30x 0.00062; 1000 Genomes Project 0.00080; ExAC 0.00089.
gnomAD v4.1: 585 of 1,614,152 alleles (0.036%); highest among the groups gnomAD compares: South Asian, 0.24%; 1 homozygote.

Submissions (2):

CeGaT Center for Human Genetics Tuebingen
Classification: Likely benign. Last evaluated: 2023-06-01. Review status: criteria provided, single submitter. Criteria: CeGaT Center For Human Genetics Tuebingen Variant Classification Criteria Version 2. Collection method: clinical testing. Allele origin: germline. Affected: yes. Observed: 1 variant allele.
Comment: DSCAM: PP2, BS1

PreventionGenetics, part of Exact Sciences
Classification: Likely benign for DSCAM-related condition. Last evaluated: 2023-02-13. Review status: no assertion criteria provided. Collection method: clinical testing. Allele origin: germline. Not counted in ClinVar's aggregate classification.
Comment: This variant is classified as likely benign based on ACMG/AMP sequence variant interpretation guidelines (Richards et al. 2015 PMID: 25741868, with internal and published modifications).

NM_001389.5(DSCAM):c.2477G>A (p.Arg826Gln)

Gene: DSCAM (DS cell adhesion molecule; minus strand). Cytogenetic location: 21q22.2.
Variant type: single nucleotide variant.
Coding change: c.2477G>A on transcript NM_001389.5 (MANE Select); coding-DNA position 2477, G replaced by A.
Protein change: p.Arg826Gln; replaces arginine 826 with glutamine.
Molecular consequence: missense variant. On other transcripts: non-coding transcript variant (1).
Genome position (GRCh38, 1-based): chr21:40,189,118, C>T on the plus strand (G>A on the coding strand, the complement: DSCAM is on the minus strand). VCF-style: chr21-40189118-C-T. GRCh37 (hg19) VCF-style: chr21-41561045-C-T.
Other names: c.2477G>A, p.Arg826Gln (NM_001271534.3); short protein forms R826Q.
Identifiers: ClinVar variation 2652672 (VCV002652672.25), dbSNP rs199952049, ClinGen allele CA10031240.